The following is an entry in ClinVar:

NM_000051.4(ATM):c.1126G>T (p.Glu376Ter)

Gene: ATM (ATM serine/threonine kinase; plus strand). Cytogenetic location: 11q22.3.
Variant type: single nucleotide variant.
Coding change: c.1126G>T on transcript NM_000051.4 (MANE Select); coding-DNA position 1126, G replaced by T.
Protein change: p.Glu376Ter; replaces glutamic acid 376 with a stop codon.
Molecular consequence: nonsense.
Genome position (GRCh38, 1-based): chr11:108,248,993, G>T. VCF-style: chr11-108248993-G-T. GRCh37 (hg19) VCF-style: chr11-108119720-G-T.
Other names: c.1126G>T, p.Glu376Ter (NM_001351834.2); short protein forms E376*.
Identifiers: ClinVar variation 524388 (VCV000524388.13), dbSNP rs1555069657, ClinGen allele CA382532436.

ClinVar aggregate classification (germline): Pathogenic/Likely pathogenic. Review status: criteria provided, multiple submitters, no conflicts (2 of 4 stars). 4 submissions from 4 submitters: Pathogenic (3); Likely pathogenic (1). Last evaluated 2024-11-11.

Conditions:
Hereditary cancer-predisposing syndrome. Also called: Hereditary neoplastic syndrome; Tumor predisposition; Neoplastic Syndromes, Hereditary; Hereditary Cancer Syndrome. Identifiers: Orphanet 140162, MedGen C0027672, MeSH D009386, MONDO:0015356.
Ataxia-telangiectasia syndrome (AT). Also called: Ataxia telangiectasia (A-T); ATAXIA-TELANGIECTASIA, COMPLEMENTATION GROUP A; ATAXIA-TELANGIECTASIA, FRESNO VARIANT; Ataxia-telangiectasia; Ataxia-telangiectasia, complementation group D; AT, COMPLEMENTATION GROUP C. Identifiers: Orphanet 100, MedGen C0004135, MONDO:0008840, OMIM 208900.
ATM-related disorder. Also called: ATM-related disorders; ATM-related condition.

Submissions (4):

Molecular Pathology, Peter Maccallum Cancer Centre
Classification: Pathogenic for Ataxia-telangiectasia syndrome. Last evaluated: 2024-11-11. Review status: criteria provided, single submitter. Criteria: ACMG Guidelines, 2015. Collection method: clinical testing. Allele origin: germline. Inheritance: Autosomal recessive inheritance.

Labcorp Genetics (formerly Invitae), Labcorp
Classification: Pathogenic for Ataxia-telangiectasia syndrome. Last evaluated: 2024-10-31. Review status: criteria provided, single submitter. Criteria: Invitae Variant Classification Sherloc (09022015). Collection method: clinical testing. Allele origin: germline.
Comment: This sequence change creates a premature translational stop signal (p.Glu376*) in the ATM gene. It is expected to result in an absent or disrupted protein product. Loss-of-function variants in ATM are known to be pathogenic (PMID: 23807571, 25614872). This variant is not present in population databases (gnomAD no frequency). This premature translational stop signal has been observed in individual(s) with breast cancer (PMID: 27779110). ClinVar contains an entry for this variant (Variation ID: 524388). Algorithms developed to predict the effect of sequence changes on RNA splicing suggest that this variant may disrupt the consensus splice site. For these reasons, this variant has been classified as Pathogenic.

Blueprint Genetics
Classification: Likely pathogenic for ATM-related disorders. Last evaluated: 2021-12-15. Review status: criteria provided, single submitter. Criteria: ACMG Guidelines, 2015. Collection method: clinical testing. Allele origin: germline. Affected: yes. Observed: 1 variant allele.

Ambry Genetics
Classification: Pathogenic for Hereditary cancer-predisposing syndrome. Last evaluated: 2019-08-10. Review status: criteria provided, single submitter. Criteria: Ambry Variant Classification Scheme 2023. Collection method: clinical testing. Allele origin: germline.
Comment: The p.E376* pathogenic mutation (also known as c.1126G>T), located in coding exon 8 of the ATM gene, results from a G to T substitution at nucleotide position 1126. This changes the amino acid from a glutamic acid to a stop codon within coding exon 8. This alteration is expected to result in loss of function by premature protein truncation or nonsense-mediated mRNA decay. As such, this alteration is interpreted as a disease-causing mutation.

Literature cited by the submitters: PubMed 23807571 (cited by Labcorp Genetics (formerly Invitae), Labcorp); PubMed 25614872 (cited by Labcorp Genetics (formerly Invitae), Labcorp); PubMed 27779110 (cited by Labcorp Genetics (formerly Invitae), Labcorp).